The following is an entry in ClinVar:

NM_001009944.3(PKD1):c.1704C>T (p.Ala568=)

Gene: PKD1 (polycystin 1, transient receptor potential channel interacting; minus strand). Cytogenetic location: 16p13.3.
Variant type: single nucleotide variant.
Coding change: c.1704C>T on transcript NM_001009944.3 (MANE Select); coding-DNA position 1704, C replaced by T.
Protein change: p.Ala568=; no amino-acid change (alanine 568 retained).
Molecular consequence: synonymous variant.
Genome position (GRCh38, 1-based): chr16:2,116,547, G>A on the plus strand (C>T on the coding strand, the complement: PKD1 is on the minus strand). VCF-style: chr16-2116547-G-A. GRCh37 (hg19) VCF-style: chr16-2166548-G-A.
Other names: c.1704C>T, p.Ala568= (NM_000296.4).
Identifiers: ClinVar variation 997346 (VCV000997346.2), dbSNP rs990065629, ClinGen allele CA276783221.

ClinVar aggregate classification (germline): Likely benign. Review status: criteria provided, single submitter (1 of 4 stars). 2 submissions from 2 submitters: Likely benign (1). 1 of the submissions does not count toward it. Last evaluated 2021-12-08.

Conditions:
Polycystic kidney disease. Also called: Polycystic kidney dysplasia; Kidney, Polycystic. Identifiers: MedGen C0022680, MeSH D007690, MONDO:0020642, HP:0000113.
Polycystic kidney disease, adult type (PKD1). Also called: POLYCYSTIC KIDNEY DISEASE, ADULT, TYPE I; Polycystic Kidney Disease 1, Autosomal Dominant; Polycystic kidney disease 1; Polycystic kidney disease 1, severe; Polycystic Kidney, Autosomal Dominant; POLYCYSTIC KIDNEY DISEASE 1 WITH OR WITHOUT POLYCYSTIC LIVER DISEASE. Identifiers: MedGen C3149841, MONDO:0008263, OMIM 173900.

Allele frequency attached by ClinVar (database versions not stated): gnomAD exomes 0.00002; gnomAD 0.00010; TOPMed 0.00010; 1000 Genomes Project 30x 0.00031.

Submissions (2):

Fulgent Genetics
Classification: Likely benign for Polycystic kidney disease, adult type. Last evaluated: 2021-12-08. Review status: criteria provided, single submitter. Criteria: ACMG Guidelines, 2015. Collection method: clinical testing. Allele origin: unknown.

Department of Pathology and Laboratory Medicine, Sinai Health System
Classification: Likely benign for Polycystic Kidney disease. Review status: no assertion criteria provided. Collection method: clinical testing. Allele origin: unknown. Affected: yes. Study: The Canadian Open Genetics Repository (COGR). Not counted in ClinVar's aggregate classification.
Comment: The PKD1 p.Ala568= variant was not identified in the literature nor was it identified in the dbSNP, ClinVar, LOVD 3.0, ADPKD Mutation Database, PKD1-LOVD, databases. The variant was identified in control databases in 3 of 30916 chromosomes at a frequency of 0.000097 in the following population: African in 3 of 8706 chromosomes (freq. 0.00034), increasing the likelihood that this may be a low frequency variant in certain populations of origin (Genome Aggregation Consortium Feb 27, 2017). In addition we cannot be certain that data from control databases is specific to PKD1 and not from one of the six PKD1 pseudogenes. Ala568= variant does not have clinical significance. The p.Ala568Ala variant is not expected to have clinical significance because it does not result in a change of amino acid and is not located in a known consensus splice site. In addition, in silico or computational prediction software programs (SpliceSiteFinder, MaxEntScan, NNSPLICE, GeneSplicer, HumanSpliceFinder) do not predict a difference in splicing. In summary, based on the above information the clinical significance of this variant cannot be determined with certainty at this time although we would lean towards a more benign role for this variant. This variant is classified as likely benign.